The following is an entry in ClinVar:

NM_017780.4(CHD7):c.5585C>T (p.Thr1862Ile)

Gene: CHD7 (chromodomain helicase DNA binding protein 7; plus strand). Cytogenetic location: 8q12.2.
Variant type: single nucleotide variant.
Coding change: c.5585C>T on transcript NM_017780.4 (MANE Select); coding-DNA position 5585, C replaced by T.
Protein change: p.Thr1862Ile; replaces threonine 1862 with isoleucine.
Molecular consequence: missense variant. On other transcripts: intron variant (1).
Genome position (GRCh38, 1-based): chr8:60,851,082, C>T. VCF-style: chr8-60851082-C-T. GRCh37 (hg19) VCF-style: chr8-61763641-C-T.
Other names: c.1717-11147C>T (NM_001316690.1); short protein forms T1862I.
Identifiers: ClinVar variation 2792098 (VCV002792098.4), dbSNP rs764673467, ClinGen allele CA371322036.

ClinVar aggregate classification (germline): Uncertain significance. Review status: criteria provided, multiple submitters, no conflicts (2 of 4 stars). 2 submissions from 2 submitters: Uncertain significance (2). Last evaluated 2024-10-31.

Conditions:
CHARGE syndrome (CHARGE). Also called: Hittner Hirsch Kreh syndrome; CHARGE ASSOCIATION--COLOBOMA, HEART ANOMALY, CHOANAL ATRESIA, RETARDATION, GENITAL AND EAR ANOMALIES; Coloboma, heart anomaly, choanal atresia, retardation, genital and ear anomalies; CHARGE association; Hall-Hittner syndrome. Identifiers: Orphanet 138, MedGen C0265354, MONDO:0008965.

Submissions (2):

GeneDx
Classification: Uncertain significance. Last evaluated: 2024-10-31. Review status: criteria provided, single submitter. Criteria: GeneDx Variant Classification Process June 2021. Collection method: clinical testing. Allele origin: germline. Affected: yes.
Comment: Not observed at significant frequency in large population cohorts (gnomAD); In silico analysis indicates that this missense variant does not alter protein structure/function; Has not been previously published as pathogenic or benign to our knowledge

Labcorp Genetics (formerly Invitae), Labcorp
Classification: Uncertain significance for CHARGE syndrome. Last evaluated: 2024-05-21. Review status: criteria provided, single submitter. Criteria: Invitae Variant Classification Sherloc (09022015). Collection method: clinical testing. Allele origin: germline.
Comment: This sequence change replaces threonine, which is neutral and polar, with isoleucine, which is neutral and non-polar, at codon 1862 of the CHD7 protein (p.Thr1862Ile). This variant is not present in population databases (gnomAD no frequency). This variant has not been reported in the literature in individuals affected with CHD7-related conditions. Advanced modeling of protein sequence and biophysical properties (such as structural, functional, and spatial information, amino acid conservation, physicochemical variation, residue mobility, and thermodynamic stability) performed at Invitae indicates that this missense variant is not expected to disrupt CHD7 protein function with a negative predictive value of 80%. In summary, the available evidence is currently insufficient to determine the role of this variant in disease. Therefore, it has been classified as a Variant of Uncertain Significance.